The following is an entry in ClinVar:

ClinVar aggregate classification (germline): Uncertain significance (1 of 4 stars; one submission).

gnomAD v4.1: 9 of 1,612,260 alleles (0.00056%); highest among the groups gnomAD compares: Non-Finnish European, 0.00068%; no homozygotes.

Submission:

Labcorp Genetics (formerly Invitae), Labcorp
Classification: Uncertain significance. Last evaluated: 2023-12-11. Review status: criteria provided, single submitter. Criteria: Invitae Variant Classification Sherloc (09022015). Collection method: clinical testing. Allele origin: germline.
Comment: This sequence change replaces proline, which is neutral and non-polar, with arginine, which is basic and polar, at codon 46 of the HTRA2 protein (p.Pro46Arg). This variant is present in population databases (no rsID available, gnomAD 0.002%). This variant has not been reported in the literature in individuals affected with HTRA2-related conditions. ClinVar contains an entry for this variant (Variation ID: 1947819). An algorithm developed to predict the effect of missense changes on protein structure and function (PolyPhen-2) suggests that this variant¬†is likely to be tolerated. In summary, the available evidence is currently insufficient to determine the role of this variant in disease. Therefore, it has been classified as a Variant of Uncertain Significance.

NM_013247.5(HTRA2):c.137C>G (p.Pro46Arg)

Gene: HTRA2 (HtrA serine peptidase 2; plus strand). Cytogenetic location: 2p13.1.
Variant type: single nucleotide variant.
Coding change: c.137C>G on transcript NM_013247.5 (MANE Select); coding-DNA position 137, C replaced by G.
Protein change: p.Pro46Arg; replaces proline 46 with arginine.
Molecular consequence: missense variant. On other transcripts: non-coding transcript variant (1).
Genome position (GRCh38, 1-based): chr2:74,530,143, C>G. VCF-style: chr2-74530143-C-G. GRCh37 (hg19) VCF-style: chr2-74757270-C-G.
Other names: c.137C>G, p.Pro46Arg (NM_001321727.1, NM_001321728.1, NM_145074.2); short protein forms P46R.
Identifiers: ClinVar variation 1947819 (VCV001947819.3), dbSNP rs1390734051, ClinGen allele CA347375912.
Genomic context (GRCh38, chr2:74,530,143, plus strand): 5'-GGAGGAGACCCCGTTTGACCCCTGACCTCCGGGCCCTGCTGACGTCAGGAACTTCTGACC[C>G]CCGGGCCCGAGTGACTTATGGGACCCCCAGTCTCTGGGCCCGGTTGTCTGTTGGGGTCAC-3'
Protein context (NP_037379.1, residues 36-56): RALLTSGTSD[Pro46Arg]RARVTYGTPS